The following is an entry in ClinVar:

ClinVar aggregate classification (germline): Uncertain significance (1 of 4 stars; one submission).

Submission:

GeneDx
Classification: Uncertain significance. Last evaluated: 2023-03-10. Review status: criteria provided, single submitter. Criteria: GeneDx Variant Classification Process June 2021. Collection method: clinical testing. Allele origin: germline. Affected: yes.
Comment: Not observed at significant frequency in large population cohorts (gnomAD); In silico analysis supports that this missense variant does not alter protein structure/function; Has not been previously published as pathogenic or benign to our knowledge

NM_181332.3(NLGN4X):c.60G>T (p.Met20Ile)

Gene: NLGN4X (neuroligin 4 X-linked; minus strand). Cytogenetic location: Xp22.31.
Variant type: single nucleotide variant.
Coding change: c.60G>T on transcript NM_181332.3 (MANE Select); coding-DNA position 60, G replaced by T.
Protein change: p.Met20Ile; replaces methionine 20 with isoleucine.
Molecular consequence: missense variant.
Genome position (GRCh38, 1-based): chrX:6,151,407, C>A on the plus strand (G>T on the coding strand, the complement: NLGN4X is on the minus strand). VCF-style: chrX-6151407-C-A. GRCh37 (hg19) VCF-style: chrX-6069448-C-A.
Other names: c.60G>T, p.Met20Ile (NM_001282145.2, NM_001282146.2, NM_020742.4); short protein forms M20I.
Identifiers: ClinVar variation 1697163 (VCV001697163.3), dbSNP rs1038013179, ClinGen allele CA412015558.